The following is an entry in ClinVar:

~232-kb deletion

Gene: GJB2 (gap junction protein beta 2; minus strand). Cytogenetic location: 13q12.11.
Variant type: Variation.
Identifiers: ClinVar variation 253027 (VCV000253027.1).

ClinVar aggregate classification (germline): Pathogenic (0 of 4 stars; one submission).

Conditions:
Autosomal recessive nonsyndromic hearing loss 1A (DFNB1A). Also called: Nonsyndromic Hearing Loss and Deafness, DFNB1; GJB2-Related Autosomal Recessive Nonsyndromic Hearing Loss; GJB6-Related DFNB 1 Nonsyndromic Hearing Loss and Deafness; Deafness, autosomal recessive 1A; Connexin 26 deafness; Deafness nonsyndromic, Connexin 26 linked. Identifiers: Orphanet 90636, MedGen C2673759, MONDO:0009076, OMIM 220290.

Submission:

GeneReviews
Classification: Pathogenic for Autosomal recessive nonsyndromic hearing loss 1A. Last evaluated: 2016-08-18. Review status: no assertion criteria provided. Collection method: literature only. Allele origin: germline. Affected: yes.
Comment: Deletion includes sequences upstream of GJB2 and a portion of GJB6.

Literature cited by the submitters: PubMed 14571368.